The following is an entry in ClinVar:

NM_000117.3(EMD):c.355C>A (p.Gln119Lys)

Gene: EMD (emerin; plus strand). Cytogenetic location: Xq28.
Variant type: single nucleotide variant.
Coding change: c.355C>A on transcript NM_000117.3 (MANE Select); coding-DNA position 355, C replaced by A.
Protein change: p.Gln119Lys; replaces glutamine 119 with lysine.
Molecular consequence: missense variant.
Genome position (GRCh38, 1-based): chrX:154,380,323, C>A. VCF-style: chrX-154380323-C-A. GRCh37 (hg19) VCF-style: chrX-153608683-C-A.
Other names: short protein forms Q119K.
Identifiers: ClinVar variation 423352 (VCV000423352.35), dbSNP rs398123157, ClinGen allele CA10561579.
Genomic context (GRCh38, chrX:154,380,323, plus strand): 5'-TACTTCACCACCAGGACTTATGGGGAGCCCGAGTCTGCCGGCCCGTCCAGGGCTGTCCGC[C>A]AGTCAGTGACTTCATTCCCAGATGCTGACGCTTTCCATCACCAGGTGAGCTGGCTGGCAG-3'
Protein context (NP_000108.1, residues 109-129): ESAGPSRAVR[Gln119Lys]SVTSFPDADA

ClinVar aggregate classification (germline): Conflicting classifications of pathogenicity. Review status: criteria provided, conflicting classifications (1 of 4 stars). 8 submissions from 8 submitters: Uncertain significance (4); Likely benign (3). 1 of the submissions does not count toward it. Last evaluated 2025-07-06.

Conditions:
Cardiovascular phenotype. Identifiers: MedGen CN230736.
Emery-Dreifuss muscular dystrophy (EDMD). Also called: Scapuloperoneal syndrome, X-linked (formerly); Humeroperoneal neuromuscular disease, (formerly). Identifiers: Orphanet 261, MedGen C0410189, MONDO:0016830.
Cardiomyopathy (CMYO). Also called: Cardiomyopathies. Identifiers: Orphanet 167848, MedGen C0878544, MONDO:0004994, HP:0001638. Inheritance: Various modes of inheritance.
X-linked Emery-Dreifuss muscular dystrophy. Also called: Muscular dystrophy, tardive Emery-Dreifuss type, with contractures. Identifiers: Orphanet 261, Orphanet 98863, MedGen C0751337, MONDO:0010680.

Allele frequency attached by ClinVar (database versions not stated): ExAC 0.00001; gnomAD exomes 0.00002 and 0.00003; TOPMed 0.00003; gnomAD 0.00005.
gnomAD v4.1: 31 of 1,210,303 alleles (0.0026%); highest among the groups gnomAD compares: Non-Finnish European, 0.003%; no homozygotes.

Submissions (8):

Labcorp Genetics (formerly Invitae), Labcorp
Classification: Likely benign for X-linked Emery-Dreifuss muscular dystrophy. Last evaluated: 2025-07-06. Review status: criteria provided, single submitter. Criteria: Invitae Variant Classification Sherloc (09022015). Collection method: clinical testing. Allele origin: germline.

Molecular Diagnostic Laboratory for Inherited Cardiovascular Disease, Montreal Heart Institute
Classification: Uncertain significance for Cardiovascular phenotype. Last evaluated: 2025-04-09. Review status: criteria provided, single submitter. Criteria: ACMG Guidelines, 2015. Collection method: clinical testing. Allele origin: germline. Affected: yes.

Ambry Genetics
Classification: Likely benign for Cardiovascular phenotype. Last evaluated: 2024-12-02. Review status: criteria provided, single submitter. Criteria: Ambry Variant Classification Scheme 2023. Collection method: clinical testing. Allele origin: germline.

CeGaT Center for Human Genetics Tuebingen
Classification: Likely benign. Last evaluated: 2024-08-01. Review status: criteria provided, single submitter. Criteria: CeGaT Center For Human Genetics Tuebingen Variant Classification Criteria Version 2. Collection method: clinical testing. Allele origin: germline. Affected: yes. Observed: 1 variant allele.
Comment: EMD: BP4, BS2

GeneDx
Classification: Uncertain significance. Last evaluated: 2024-04-01. Review status: criteria provided, single submitter. Criteria: GeneDx Variant Classification Process June 2021. Collection method: clinical testing. Allele origin: germline. Affected: yes.
Comment: Has not been previously published as pathogenic or benign to our knowledge; In silico analysis supports that this missense variant does not alter protein structure/function; Missense variants in this gene are often considered pathogenic (HGMD)

CHEO Genetics Diagnostic Laboratory, Children's Hospital of Eastern Ontario
Classification: Uncertain significance for Cardiomyopathy. Last evaluated: 2019-10-30. Review status: criteria provided, single submitter. Criteria: ACMG Guidelines, 2015. Collection method: clinical testing. Allele origin: germline.

Eurofins Ntd Llc (ga)
Classification: Uncertain significance. Last evaluated: 2017-05-05. Review status: criteria provided, single submitter. Criteria: EGL Classification Definitions 2015. Collection method: clinical testing. Allele origin: germline. Observed: 1 variant allele, 1 hemizygote.

Natera, Inc.
Classification: Uncertain significance for Emery-Dreifuss muscular dystrophy. Last evaluated: 2020-07-16. Review status: no assertion criteria provided. Collection method: clinical testing. Allele origin: germline. Not counted in ClinVar's aggregate classification.